The following is an entry in ClinVar:

NM_015335.5(MED13L):c.2240C>T (p.Ser747Leu)

Gene: MED13L (mediator complex subunit 13L; minus strand). Cytogenetic location: 12q24.21.
Variant type: single nucleotide variant.
Coding change: c.2240C>T on transcript NM_015335.5 (MANE Select); coding-DNA position 2240, C replaced by T.
Protein change: p.Ser747Leu; replaces serine 747 with leucine.
Molecular consequence: missense variant.
Genome position (GRCh38, 1-based): chr12:116,006,410, G>A on the plus strand (C>T on the coding strand, the complement: MED13L is on the minus strand). VCF-style: chr12-116006410-G-A. GRCh37 (hg19) VCF-style: chr12-116444215-G-A.
Other names: short protein forms S747L.
Identifiers: ClinVar variation 1033769 (VCV001033769.6), dbSNP rs368050346, ClinGen allele CA244163000.
Genomic context (GRCh38, chr12:116,006,410, plus strand): 5'-TCAGGCACCGGCGTGGAATGACCTGGTGTAGTGACATCCTTGGTACCAAATCCATCCTCT[G>A]ACTGTATAATAAATTCAGCCAAACAAAACACATGAACACCAACCCAAAGTGTGAAATATG-3'
Protein context (NP_056150.1, residues 737-757): TEKDSLKKNK[Ser747Leu]EDGFGTKDVT

ClinVar aggregate classification (germline): Uncertain significance. Review status: criteria provided, multiple submitters, no conflicts (2 of 4 stars). 2 submissions from 2 submitters: Uncertain significance (2). Last evaluated 2023-08-21.

Conditions:
Cardiac anomalies - developmental delay - facial dysmorphism syndrome (MRFACD). Also called: MED13L Syndrome; Impaired intellectual development and distinctive facial features with or without cardiac defects. Identifiers: Orphanet 369891, MedGen C5192431, MONDO:0014773, OMIM 616789.
Dextro-looped transposition of the great arteries. Also called: Dextrotransposition of the great arteries. Identifiers: Orphanet 860, MedGen C3531771, MONDO:0019443, OMIM 608808, HP:0031348.

Allele frequency attached by ClinVar (database versions not stated): gnomAD exomes below 0.00001; TOPMed below 0.00001; ESP Exome Variant Server 0.00008.
gnomAD v4.1: 1 of 1,613,170 alleles (0.000062%); highest among the groups gnomAD compares: Non-Finnish European, 0.000085%; no homozygotes.

Submissions (2):

Labcorp Genetics (formerly Invitae), Labcorp
Classification: Uncertain significance for Dextro-looped transposition of the great arteries. Last evaluated: 2023-08-21. Review status: criteria provided, single submitter. Criteria: Invitae Variant Classification Sherloc (09022015). Collection method: clinical testing. Allele origin: germline.
Comment: This sequence change replaces serine, which is neutral and polar, with leucine, which is neutral and non-polar, at codon 747 of the MED13L protein (p.Ser747Leu). This variant is not present in population databases (gnomAD no frequency). This variant has not been reported in the literature in individuals affected with MED13L-related conditions. ClinVar contains an entry for this variant (Variation ID: 1033769). Experimental studies and prediction algorithms are not available or were not evaluated, and the functional significance of this variant is currently unknown. In summary, the available evidence is currently insufficient to determine the role of this variant in disease. Therefore, it has been classified as a Variant of Uncertain Significance.

Baylor Genetics
Classification: Uncertain significance for Cardiac anomalies - developmental delay - facial dysmorphism syndrome. Last evaluated: 2018-08-22. Review status: criteria provided, single submitter. Criteria: ACMG Guidelines, 2015. Collection method: clinical testing. Allele origin: maternal. Affected: yes.
Comment: This variant was determined to be of uncertain significance according to ACMG Guidelines, 2015 [PMID:25741868].